The following is an entry in ClinVar:

ClinVar aggregate classification (germline): Pathogenic (1 of 4 stars; one submission).

Conditions:
Peroxisome biogenesis disorder 3A (Zellweger). Also called: Peroxisome biogenesis disorder 3A; PEROXISOMAL BIOGENESIS DISORDER 3A (ZELLWEGER). Identifiers: Orphanet 912, MedGen C3553929, MONDO:0013927, OMIM 614859.

Submission:

Labcorp Genetics (formerly Invitae), Labcorp
Classification: Pathogenic for Peroxisome biogenesis disorder 3A (Zellweger). Last evaluated: 2023-08-22. Review status: criteria provided, single submitter. Criteria: Invitae Variant Classification Sherloc (09022015). Collection method: clinical testing. Allele origin: germline.
Comment: This sequence change creates a premature translational stop signal (p.Gln259*) in the PEX12 gene. While this is not anticipated to result in nonsense mediated decay, it is expected to disrupt the last 101 amino acid(s) of the PEX12 protein. This variant is not present in population databases (gnomAD no frequency). This premature translational stop signal has been observed in individual(s) with clinical features of Zellweger spectrum disorder (PMID: 21031596). This variant disrupts a region of the PEX12 protein in which other variant(s) (p.Gln349del) have been determined to be pathogenic (PMID: 15542397, 21031596; Invitae). This suggests that this is a clinically significant region of the protein, and that variants that disrupt it are likely to be disease-causing. For these reasons, this variant has been classified as Pathogenic.

Literature cited by the submitters: PubMed 21031596; PubMed 15542397.

NM_000286.3(PEX12):c.775C>T (p.Gln259Ter)

Gene: PEX12 (peroxisomal biogenesis factor 12; minus strand). Cytogenetic location: 17q12.
Variant type: single nucleotide variant.
Coding change: c.775C>T on transcript NM_000286.3 (MANE Select); coding-DNA position 775, C replaced by T.
Protein change: p.Gln259Ter; replaces glutamine 259 with a stop codon.
Molecular consequence: nonsense.
Genome position (GRCh38, 1-based): chr17:35,576,087, G>A on the plus strand (C>T on the coding strand, the complement: PEX12 is on the minus strand). VCF-style: chr17-35576087-G-A. GRCh37 (hg19) VCF-style: chr17-33903106-G-A.
Other names: short protein forms Q259*.
Identifiers: ClinVar variation 2736583 (VCV002736583.3), dbSNP rs2509168202, ClinGen allele CA399137413.
Genomic context (GRCh38, chr17:35,576,087, plus strand): 5'-GGGCAGTCAATGACTTGATGGTTTCTTGATTTTCAGATGAGTACCACCAGTCAAGGAACT[G>A]CAAGAAGAATACACCCACAGAAAGGCCAGTAGACAGGGATAAGGCAACACCCCCAACAGC-3'